The following is an entry in ClinVar:

NM_002181.4(IHH):c.482A>G (p.Asn161Ser)

Gene: IHH (Indian hedgehog signaling molecule; minus strand). Cytogenetic location: 2q35.
Variant type: single nucleotide variant.
Coding change: c.482A>G on transcript NM_002181.4 (MANE Select); coding-DNA position 482, A replaced by G.
Protein change: p.Asn161Ser; replaces asparagine 161 with serine.
Molecular consequence: missense variant.
Genome position (GRCh38, 1-based): chr2:219,057,528, T>C on the plus strand (A>G on the coding strand, the complement: IHH is on the minus strand). VCF-style: chr2-219057528-T-C. GRCh37 (hg19) VCF-style: chr2-219922250-T-C.
Other names: short protein forms N161S.
Identifiers: ClinVar variation 2122293 (VCV002122293.5), dbSNP rs1316070321, ClinGen allele CA350634558.

ClinVar aggregate classification (germline): Uncertain significance. Review status: criteria provided, multiple submitters, no conflicts (2 of 4 stars). 2 submissions from 2 submitters: Uncertain significance (2). Last evaluated 2026-02-13.

Conditions:
Brachydactyly type A1. Also called: FARABEE-TYPE BRACHYDACTYLY; SHORT STATURE WITH NONSPECIFIC SKELETAL ABNORMALITIES 2. Identifiers: Orphanet 93388, MedGen C1862151, MONDO:0007215, OMIM 112500, HP:0009371.

Submissions (2):

MVZ Martinsried, Medicover Genetics
Classification: Uncertain significance for Brachydactyly type A1. Last evaluated: 2026-02-13. Review status: criteria provided, single submitter. Criteria: ACGS Guidelines, 2020. Collection method: clinical testing. Allele origin: unknown. Affected: yes. Observed: 1 heterozygote.

Labcorp Genetics (formerly Invitae), Labcorp
Classification: Uncertain significance. Last evaluated: 2025-04-11. Review status: criteria provided, single submitter. Criteria: Invitae Variant Classification Sherloc (09022015). Collection method: clinical testing. Allele origin: germline.
Comment: This sequence change replaces asparagine, which is neutral and polar, with serine, which is neutral and polar, at codon 161 of the IHH protein (p.Asn161Ser). This variant is present in population databases (no rsID available, gnomAD 0.0009%). This variant has not been reported in the literature in individuals affected with IHH-related conditions. ClinVar contains an entry for this variant (Variation ID: 2122293). Invitae Evidence Modeling of protein sequence and biophysical properties (such as structural, functional, and spatial information, amino acid conservation, physicochemical variation, residue mobility, and thermodynamic stability) indicates that this missense variant is not expected to disrupt IHH protein function with a negative predictive value of 80%. Algorithms developed to predict the effect of sequence changes on RNA splicing suggest that this variant may disrupt the consensus splice site. In summary, the available evidence is currently insufficient to determine the role of this variant in disease. Therefore, it has been classified as a Variant of Uncertain Significance.